The following is an entry in ClinVar:

NM_000138.5(FBN1):c.3671A>G (p.Gln1224Arg)

Gene: FBN1 (fibrillin 1; minus strand). Cytogenetic location: 15q21.1.
Variant type: single nucleotide variant.
Coding change: c.3671A>G on transcript NM_000138.5 (MANE Select); coding-DNA position 3671, A replaced by G.
Protein change: p.Gln1224Arg; replaces glutamine 1224 with arginine.
Molecular consequence: missense variant.
Genome position (GRCh38, 1-based): chr15:48,485,415, T>C on the plus strand (A>G on the coding strand, the complement: FBN1 is on the minus strand). VCF-style: chr15-48485415-T-C. GRCh37 (hg19) VCF-style: chr15-48777612-T-C.
Other names: short protein forms Q1224R.
Identifiers: ClinVar variation 1478852 (VCV001478852.9), dbSNP rs2141291295, ClinGen allele CA392324389.
Genomic context (GRCh38, chr15:48,485,415, plus strand): 5'-GAGGCTAGAACCTACTCACCGGTGCATGATCTCTGGTCAGGCATTAGTGCAAATCCCGGC[T>C]GACAGCTACATTCATAGCTGCCTTCAGAGTTTGTGCAGAAGGTTTCACAACCACCATTCA-3'
Protein context (NP_000129.3, residues 1214-1234): NSEGSYECSC[Gln1224Arg]PGFALMPDQR

ClinVar aggregate classification (germline): Uncertain significance. Review status: criteria provided, multiple submitters, no conflicts (2 of 4 stars). 2 submissions from 2 submitters: Uncertain significance (2). Last evaluated 2023-03-07.

Conditions:
Marfan syndrome (MFS). Also called: MARFAN SYNDROME, TYPE I; Marfan syndrome type 1; Marfan's syndrome; Marfan syndrome, classic; FBN1-Related Marfan Syndrome. Identifiers: Orphanet 284963, Orphanet 558, MedGen C0024796, MONDO:0007947, OMIM 154700.
Familial thoracic aortic aneurysm and aortic dissection (TAAD). Also called: Thoracic aortic aneurysms and dissections. Identifiers: Orphanet 91387, MedGen C4707243, MONDO:0019625.

Submissions (2):

All of Us Research Program, National Institutes of Health
Classification: Uncertain significance for Marfan syndrome. Last evaluated: 2023-03-07. Review status: criteria provided, single submitter. Criteria: ACMG Guidelines, 2015. Collection method: clinical testing. Allele origin: germline. Inheritance: Autosomal dominant inheritance. Observed: 1 variant allele, 1 heterozygote.
Comment: This missense variant replaces glutamine with arginine at codon 1224 of the FBN1 protein. Computational prediction suggests that this variant may not impact protein structure and function (internally defined REVEL score threshold <= 0.5, PMID: 27666373). To our knowledge, functional studies have not been reported for this variant. This variant has not been reported in individuals affected with FBN1-related disorders in the literature. This variant has not been identified in the general population by the Genome Aggregation Database (gnomAD). The available evidence is insufficient to determine the role of this variant in disease conclusively. Therefore, this variant is classified as a Variant of Uncertain Significance.

This study involves interpretation of variants in research participants for the purpose of population health screening. Participant phenotype was not available at the time of variant classification. Additional details can be found in publication PMID: 35346344, PMCID: PMC8962531

Labcorp Genetics (formerly Invitae), Labcorp
Classification: Uncertain significance for Marfan syndrome; Familial thoracic aortic aneurysm and aortic dissection. Last evaluated: 2021-01-13. Review status: criteria provided, single submitter. Criteria: Invitae Variant Classification Sherloc (09022015). Collection method: clinical testing. Allele origin: germline.
Comment: In summary, the available evidence is currently insufficient to determine the role of this variant in disease. Therefore, it has been classified as a Variant of Uncertain Significance. Advanced modeling of protein sequence and biophysical properties (such as structural, functional, and spatial information, amino acid conservation, physicochemical variation, residue mobility, and thermodynamic stability) performed at Invitae indicates that this missense variant is not expected to disrupt FBN1 protein function. This variant has not been reported in the literature in individuals with FBN1-related conditions. This variant is not present in population databases (ExAC no frequency). This sequence change replaces glutamine with arginine at codon 1224 of the FBN1 protein (p.Gln1224Arg). The glutamine residue is moderately conserved and there is a small physicochemical difference between glutamine and arginine.